The following is an entry in ClinVar:

NM_001206927.2(DNAH8):c.8826del (p.Ala2943fs)

Gene: DNAH8 (dynein axonemal heavy chain 8; plus strand). Cytogenetic location: 6p21.2.
Variant type: Deletion.
Coding change: c.8826del on transcript NM_001206927.2 (MANE Select); coding-DNA position 8826, one base deleted (A; older notation c.8826delA).
Protein change: p.Ala2943fs; shifts the reading frame from alanine 2943.
Molecular consequence: frameshift variant.
Genome position (GRCh38, 1-based): chr6:38,896,111, A deleted. VCF-style (leftmost placement, unchanged base first): chr6-38896110-CA-C. GRCh37 (hg19) VCF-style: chr6-38863886-CA-C.
Other names: c.8175del, p.Ala2726fs (NM_001371.4); short protein forms A2943fs, A2726fs.
Identifiers: ClinVar variation 3708097 (VCV003708097.2).
Genomic context (GRCh38, chr6:38,896,110, plus strand): 5'-ATGAGCAGTGGTTTAATGCACATCTTACTCGTGCAGTTGAAGAAAATATTGGCTCTGATG[CA>C]GCGTCGTGTATTCTTCCTGAACCATACTTTGTGGATTTTCTTCGTGAGATGCCAGAACCA-3'

ClinVar aggregate classification (germline): Pathogenic (1 of 4 stars; one submission).

Conditions:
Primary ciliary dyskinesia. Also called: Ciliary dyskinesia. Identifiers: Orphanet 244, MedGen C0008780, MONDO:0016575, HP:0012265.

Submission:

Labcorp Genetics (formerly Invitae), Labcorp
Classification: Pathogenic for Primary ciliary dyskinesia. Last evaluated: 2024-12-23. Review status: criteria provided, single submitter. Criteria: Invitae Variant Classification Sherloc (09022015). Collection method: clinical testing. Allele origin: germline.
Comment: This sequence change creates a premature translational stop signal (p.Ala2943Argfs*38) in the DNAH8 gene. It is expected to result in an absent or disrupted protein product. Loss-of-function variants in DNAH8 are known to be pathogenic (PMID: 24307375, 32619401, 32681648). This variant is present in population databases (rs778259209, gnomAD 0.002%). This variant has not been reported in the literature in individuals affected with DNAH8-related conditions. For these reasons, this variant has been classified as Pathogenic.

Literature cited by the submitters: PubMed 24307375; PubMed 32619401; PubMed 32681648.